The following is an entry in ClinVar:

NM_138413.4(HOGA1):c.584T>C (p.Met195Thr)

Gene: HOGA1 (4-hydroxy-2-oxoglutarate aldolase 1; plus strand). Cytogenetic location: 10q24.2.
Variant type: single nucleotide variant.
Coding change: c.584T>C on transcript NM_138413.4 (MANE Select); coding-DNA position 584, T replaced by C.
Protein change: p.Met195Thr; replaces methionine 195 with threonine.
Molecular consequence: missense variant. On other transcripts: intron variant (1).
Genome position (GRCh38, 1-based): chr10:97,599,795, T>C. VCF-style: chr10-97599795-T-C. GRCh37 (hg19) VCF-style: chr10-99359552-T-C.
Other names: c.212-2062T>C (NM_001134670.2); short protein forms M195T.
Identifiers: ClinVar variation 2664095 (VCV002664095.1), dbSNP rs376371068, ClinGen allele CA5634159.

ClinVar aggregate classification (germline): Uncertain significance (1 of 4 stars; one submission).

Conditions:
Primary hyperoxaluria type 3. Also called: PH III. Identifiers: Orphanet 416, Orphanet 93600, MedGen C3150878, MONDO:0013327, OMIM 613616. Disease mechanism: loss of function.

Allele frequency attached by ClinVar (database versions not stated): gnomAD exomes below 0.00001; ExAC 0.00001; ESP Exome Variant Server 0.00008.

Submission:

Rare Kidney Stone Consortium and the Mayo Clinic Hyperoxaluria Center, Mayo Clinic
Classification: Uncertain significance for Primary hyperoxaluria type 3. Last evaluated: 2023-10-27. Review status: criteria provided, single submitter. Criteria: ACMG Guidelines, 2015. Collection method: curation. Allele origin: germline.
Comment: ACMG:PP3 BP1

Literature cited by the submitters: PubMed 25644115.